The following is an entry in ClinVar:

ClinVar aggregate classification (germline): Uncertain significance (1 of 4 stars; one submission).

Conditions:
Autosomal dominant nocturnal frontal lobe epilepsy 5. Also called: KCNT1-Related Epilepsy; CILIARY DYSKINESIA, PRIMARY, 28, WITH SITUS INVERSUS; CILIARY DYSKINESIA, PRIMARY, 28, WITHOUT SITUS INVERSUS; Epilepsy, nocturnal frontal lobe, 5. Identifiers: Orphanet 98784, MedGen C3554306, MONDO:0014002, OMIM 615005.
Developmental and epileptic encephalopathy, 14 (DEE14). Also called: Early infantile epileptic encephalopathy 14. Identifiers: Orphanet 293181, MedGen C3554195, MONDO:0013989, OMIM 614959.

Submission:

Labcorp Genetics (formerly Invitae), Labcorp
Classification: Uncertain significance for Autosomal dominant nocturnal frontal lobe epilepsy 5; Developmental and epileptic encephalopathy, 14. Last evaluated: 2024-07-15. Review status: criteria provided, single submitter. Criteria: Invitae Variant Classification Sherloc (09022015). Collection method: clinical testing. Allele origin: germline.
Comment: This sequence change replaces tryptophan, which is neutral and slightly polar, with cysteine, which is neutral and slightly polar, at codon 353 of the KCNT1 protein (p.Trp353Cys). This variant is present in population databases (no rsID available, gnomAD 0.0009%). This variant has not been reported in the literature in individuals affected with KCNT1-related conditions. Advanced modeling of protein sequence and biophysical properties (such as structural, functional, and spatial information, amino acid conservation, physicochemical variation, residue mobility, and thermodynamic stability) performed at Invitae indicates that this missense variant is expected to disrupt KCNT1 protein function with a positive predictive value of 80%. In summary, the available evidence is currently insufficient to determine the role of this variant in disease. Therefore, it has been classified as a Variant of Uncertain Significance.

NM_020822.3(KCNT1):c.1059G>C (p.Trp353Cys)

Gene: KCNT1 (potassium sodium-activated channel subfamily T member 1; plus strand). Cytogenetic location: 9q34.3.
Variant type: single nucleotide variant.
Coding change: c.1059G>C on transcript NM_020822.3 (MANE Select); coding-DNA position 1059, G replaced by C.
Protein change: p.Trp353Cys; replaces tryptophan 353 with cysteine.
Molecular consequence: missense variant.
Genome position (GRCh38, 1-based): chr9:135,765,054, G>C. VCF-style: chr9-135765054-G-C. GRCh37 (hg19) VCF-style: chr9-138656900-G-C.
Other names: c.924G>C, p.Trp308Cys (NM_001272003.2); short protein forms W308C, W353C.
Identifiers: ClinVar variation 2927931 (VCV002927931.3), dbSNP rs1196953770, ClinGen allele CA375499885.